The following is an entry in ClinVar:

NM_006662.3(SRCAP):c.7275_7276del (p.Pro2426fs)

Gene: SRCAP (Snf2 related CREBBP activator protein; plus strand). Cytogenetic location: 16p11.2.
Variant type: Microsatellite.
Coding change: c.7275_7276del on transcript NM_006662.3 (MANE Select); coding-DNA positions 7275 to 7276, 2 bases deleted (AC; older notation c.7275_7276delAC).
Protein change: p.Pro2426fs; shifts the reading frame from proline 2426.
Molecular consequence: frameshift variant.
Genome position (GRCh38, 1-based): chr16:30,737,315-30,737,316, AC deleted; deleting any 2 consecutive bases within chr16:30,737,312-30,737,316 gives the same sequence; the c. name uses the placement nearest the transcript's 3' end. VCF-style (leftmost placement, unchanged base first): chr16-30737311-CCA-C. GRCh37 (hg19) VCF-style: chr16-30748632-CCA-C.
Other names: short protein forms P2426fs.
Identifiers: ClinVar variation 817041 (VCV000817041.1), dbSNP rs1596667741, ClinGen allele CA915949238.

ClinVar aggregate classification (germline): Pathogenic (1 of 4 stars; one submission).

Submission:

GeneDx
Classification: Pathogenic. Last evaluated: 2018-07-24. Review status: criteria provided, single submitter. Criteria: GeneDx Variant Classification (06012015). Collection method: clinical testing. Allele origin: germline. Affected: yes.
Comment: The c.7275_7276delAC variant in the SRCAP gene has been reported previously (as c.7274insC) in an individual with Floating-Harbor syndrome (Nikkel et al., 2013). The c.7275_7276delAC variant causes a frameshift starting with codon Proline 2426, changes this amino acid to a Threonine residue, and creates a premature Stop codon at position 16 of the new reading frame, denoted p.Pro2426ThrfsX16. This variant is predicted to cause loss of normal protein function through protein truncation. The c.7275_7276delAC variant is not observed in large population cohorts (Lek et al., 2016). We interpret c.7275_7276delAC as a pathogenic variant.